The following is an entry in ClinVar:

ClinVar aggregate classification (germline): Pathogenic (1 of 4 stars; one submission).

Conditions:
Hereditary cancer-predisposing syndrome. Also called: Neoplastic Syndromes, Hereditary; Tumor predisposition; Hereditary Cancer Syndrome; Hereditary neoplastic syndrome. Identifiers: Orphanet 140162, MedGen C0027672, MeSH D009386, MONDO:0015356.

Submission:

Ambry Genetics
Classification: Pathogenic for Hereditary cancer-predisposing syndrome. Last evaluated: 2021-11-08. Review status: criteria provided, single submitter. Criteria: Ambry Variant Classification Scheme 2023. Collection method: clinical testing. Allele origin: germline.
Comment: The c.1830dupA pathogenic mutation, located in coding exon 9 of the BRCA2 gene, results from a duplication of A at nucleotide position 1830, causing a translational frameshift with a predicted alternate stop codon (p.S611Ifs*5). This variant is considered to be rare based on population cohorts in the Genome Aggregation Database (gnomAD). This alteration is expected to result in loss of function by premature protein truncation or nonsense-mediated mRNA decay. As such, this alteration is interpreted as a disease-causing mutation.

NM_000059.4(BRCA2):c.1830dup (p.Ser611fs)

Gene: BRCA2 (BRCA2 DNA repair associated; plus strand). Cytogenetic location: 13q13.1.
Variant type: Duplication.
Coding change: c.1830dup on transcript NM_000059.4 (MANE Select); coding-DNA position 1830, one base duplicated (A; older notation c.1830dupA).
Protein change: p.Ser611fs; shifts the reading frame from serine 611.
Molecular consequence: frameshift variant.
Genome position (GRCh38, 1-based): chr13:32,333,308, A duplicated; the last of 5 consecutive A bases (chr13:32,333,304-32,333,308); duplicating any one gives the same sequence. VCF-style (leftmost placement, unchanged base first): chr13-32333303-C-CA. GRCh37 (hg19) VCF-style: chr13-32907440-C-CA.
Other names: c.1830dup, p.Ser611Ilefs (NM_001406719.1, NM_001406720.1, NM_001406721.1); c.1830dupA (NM_000059.3); short protein forms S611fs.
Identifiers: ClinVar variation 1780942 (VCV001780942.2), dbSNP rs2137475337, ClinGen allele CA2580087139.
Genomic context (GRCh38, chr13:32,333,303, plus strand): 5'-AAGTTTATTTATGCTATACATGATGAAACATCTTATAAAGGAAAAAAAATACCGAAAGAC[C>CA]AAAAATCAGAACTAATTAACTGTTCAGCCCAGTTTGAAGCAAATGCTTTTGAAGCACCAC-3'